The following is an entry in ClinVar:

NM_000059.4(BRCA2):c.8332-1594T>G

Gene: BRCA2 (BRCA2 DNA repair associated; plus strand). Cytogenetic location: 13q13.1.
Variant type: single nucleotide variant.
Coding change: c.8332-1594T>G on transcript NM_000059.4 (MANE Select); 1594 bases into the intron before coding-DNA position 8332, T replaced by G.
Molecular consequence: intron variant.
Genome position (GRCh38, 1-based): chr13:32,368,808, T>G. VCF-style: chr13-32368808-T-G. GRCh37 (hg19) VCF-style: chr13-32942945-T-G.
Identifiers: ClinVar variation 264873 (VCV000264873.1), dbSNP rs811637, ClinGen allele CA10588138.

ClinVar aggregate classification (germline): Benign (3 of 4 stars; one submission).

Conditions:
Breast-ovarian cancer, familial, susceptibility to, 2 (BROVCA2). Also called: BRCA2 Hereditary Breast and Ovarian Cancer. Identifiers: Orphanet 145, MedGen C2675520, MONDO:0012933, OMIM 612555. Disease mechanism: loss of function.

Allele frequency attached by ClinVar (database versions not stated): gnomAD 0.31110 and 0.31419; 1000 Genomes Project 0.94469.
gnomAD v4.1: 36,248 of 116,514 alleles (31%); highest among the groups gnomAD compares: Non-Finnish European, 33%; 4,663 homozygotes.

Submission:

Evidence-based Network for the Interpretation of Germline Mutant Alleles (ENIGMA)
Classification: Benign for Breast-ovarian cancer, familial, susceptibility to, 2. Last evaluated: 2016-09-28. Review status: reviewed by expert panel. Criteria: ENIGMA BRCA1/2 Classification Criteria (2015). Collection method: curation. Allele origin: germline.
Comment: Class 1 not pathogenic based on frequency >1% in an outbred sampleset. Frequency 0.9533 (European), 0.8926 (African), 0.9683 (Admixed American/Latino), 0.9782 (East Asian), 0.955 (South Asian), derived from 1000 genomes (2013-05-02).